The following is an entry in ClinVar:

NM_001199397.3(NEK1):c.2991T>G (p.Asp997Glu)

Gene: NEK1 (NIMA related kinase 1; minus strand). Cytogenetic location: 4q33.
Variant type: single nucleotide variant.
Coding change: c.2991T>G on transcript NM_001199397.3 (MANE Select); coding-DNA position 2991, T replaced by G.
Protein change: p.Asp997Glu; replaces aspartic acid 997 with glutamic acid.
Molecular consequence: missense variant. On other transcripts: non-coding transcript variant (1).
Genome position (GRCh38, 1-based): chr4:169,424,784, A>C on the plus strand (T>G on the coding strand, the complement: NEK1 is on the minus strand). VCF-style: chr4-169424784-A-C. GRCh37 (hg19) VCF-style: chr4-170345935-A-C.
Other names: c.2859T>G, p.Asp953Glu (NM_001199398.3); c.2700T>G, p.Asp900Glu (NM_001199399.3); c.2775T>G, p.Asp925Glu (NM_001199400.3); c.2991T>G, p.Asp997Glu (NM_001374418.1); c.2907T>G, p.Asp969Glu (NM_001374419.1, NM_012224.4); c.2856T>G, p.Asp952Glu (NM_001374420.1); c.2508T>G, p.Asp836Glu (NM_001374421.1); short protein forms D953E, D969E, D997E, D900E, D952E, D836E, D925E.
Identifiers: ClinVar variation 1443352 (VCV001443352.6), dbSNP rs752555915, ClinGen allele CA3137259.

ClinVar aggregate classification (germline): Uncertain significance (1 of 4 stars; one submission).

Conditions:
Short-rib thoracic dysplasia 6 with or without polydactyly (SRTD6). Also called: POLYDACTYLY WITH NEONATAL CHONDRODYSTROPHY, TYPE II; SHORT-RIB THORACIC DYSPLASIA 6 WITHOUT POLYDACTYLY; SHORT-RIB THORACIC DYSPLASIA 6 WITH POLYDACTYLY; SHORT RIB-POLYDACTYLY SYNDROME, TYPE IIA; Majewski Syndrome. Identifiers: MedGen C0024507, MONDO:0009894, OMIM 263520.

Allele frequency attached by ClinVar (database versions not stated): ExAC 0.00001; gnomAD exomes 0.00001.
gnomAD v4.1: 5 of 1,608,226 alleles (0.00031%); highest among the groups gnomAD compares: South Asian, 0.0055%; no homozygotes.

Submission:

Labcorp Genetics (formerly Invitae), Labcorp
Classification: Uncertain significance for Short-rib thoracic dysplasia 6 with or without polydactyly. Last evaluated: 2025-07-27. Review status: criteria provided, single submitter. Criteria: Invitae Variant Classification Sherloc (09022015). Collection method: clinical testing. Allele origin: germline.
Comment: This sequence change replaces aspartic acid, which is acidic and polar, with glutamic acid, which is acidic and polar, at codon 969 of the NEK1 protein (p.Asp969Glu). This variant is present in population databases (rs752555915, gnomAD 0.01%). This variant has not been reported in the literature in individuals affected with NEK1-related conditions. ClinVar contains an entry for this variant (Variation ID: 1443352). Invitae Evidence Modeling of protein sequence and biophysical properties (such as structural, functional, and spatial information, amino acid conservation, physicochemical variation, residue mobility, and thermodynamic stability) indicates that this missense variant is not expected to disrupt NEK1 protein function with a negative predictive value of 80%. In summary, the available evidence is currently insufficient to determine the role of this variant in disease. Therefore, it has been classified as a Variant of Uncertain Significance.